The following is an entry in ClinVar:

ClinVar aggregate classification (germline): Uncertain significance (1 of 4 stars; one submission).

Conditions:
Neuronal ceroid lipofuscinosis. Also called: Neuronal Ceroid Lipofuscinoses. Identifiers: Orphanet 216, Orphanet 79263, MedGen C0027877, MONDO:0016295. Disease mechanism: loss of function.

Submission:

Labcorp Genetics (formerly Invitae), Labcorp
Classification: Uncertain significance for Neuronal ceroid lipofuscinosis. Last evaluated: 2021-12-25. Review status: criteria provided, single submitter. Criteria: Invitae Variant Classification Sherloc (09022015). Collection method: clinical testing. Allele origin: germline.
Comment: This sequence change replaces arginine, which is basic and polar, with glycine, which is neutral and non-polar, at codon 22 of the CLN5 protein (p.Arg22Gly). This variant is not present in population databases (gnomAD no frequency). This variant has not been reported in the literature in individuals affected with CLN5-related conditions. Algorithms developed to predict the effect of missense changes on protein structure and function output the following: SIFT: "Deleterious"; PolyPhen-2: "Benign"; Align-GVGD: "Class C0". The glycine amino acid residue is found in multiple mammalian species, which suggests that this missense change does not adversely affect protein function. In summary, the available evidence is currently insufficient to determine the role of this variant in disease. Therefore, it has been classified as a Variant of Uncertain Significance.

NC_000013.11:g.76992015C>G

Gene: CLN5 (CLN5 lysosomal BMP synthase; plus strand). Cytogenetic location: 13q22.3.
Variant type: single nucleotide variant.
Molecular consequence: missense variant (on NM_006493.2).
Genome position: GRCh38 VCF-style: chr13-76992015-C-G. GRCh37 (hg19) VCF-style: chr13-77566150-C-G.
Other names: c.64C>G, p.Arg22Gly (NM_006493.2); short protein forms R22G.
Identifiers: ClinVar variation 1947707 (VCV001947707.2), dbSNP rs558597827, ClinGen allele CA388305849.
Genomic context (GRCh38, chr13:76,992,015, plus strand): 5'-CGCCGGAACCTGCGCTTGGGGCCAAGCTCTGGAGCTGACGCGCAGGGGCAAGGCGCCCCG[C>G]GTCCCGGACTGGCGGCTCCGCGCATGCTCCTCCCACCGGCGTCGCAGGCCTCGAGAGGCT-3'